The following is an entry in ClinVar:

ClinVar aggregate classification (germline): Uncertain significance (1 of 4 stars; one submission).

Conditions:
Autosomal dominant nonsyndromic hearing loss 20. Identifiers: Orphanet 90635, MedGen C1858172, MONDO:0011480, OMIM 604717.
Baraitser-winter syndrome 2. Identifiers: Orphanet 2995, MedGen C3281235, MONDO:0013812, OMIM 614583.

Submission:

Labcorp Genetics (formerly Invitae), Labcorp
Classification: Uncertain significance for Baraitser-winter syndrome 2; Autosomal dominant nonsyndromic hearing loss 20. Last evaluated: 2022-08-21. Review status: criteria provided, single submitter. Criteria: Invitae Variant Classification Sherloc (09022015). Collection method: clinical testing. Allele origin: germline.
Comment: This variant is not present in population databases (gnomAD no frequency). This sequence change falls in intron 3 of the ACTG1 gene. It does not directly change the encoded amino acid sequence of the ACTG1 protein. It affects a nucleotide within the consensus splice site. In summary, the available evidence is currently insufficient to determine the role of this variant in disease. Therefore, it has been classified as a Variant of Uncertain Significance. This variant has not been reported in the literature in individuals affected with ACTG1-related conditions. Variants that disrupt the consensus splice site are a relatively common cause of aberrant splicing (PMID: 17576681, 9536098). Algorithms developed to predict the effect of sequence changes on RNA splicing suggest that this variant may disrupt the consensus splice site.

Literature cited by the submitters: PubMed 17576681; PubMed 9536098.

NM_001614.5(ACTG1):c.364-3C>G

Gene: ACTG1 (actin gamma 1; minus strand). Cytogenetic location: 17q25.3.
Variant type: single nucleotide variant.
Coding change: c.364-3C>G on transcript NM_001614.5 (MANE Select); 3 bases into the intron before coding-DNA position 364, C replaced by G.
Molecular consequence: intron variant.
Genome position (GRCh38, 1-based): chr17:81,511,629, G>C on the plus strand (C>G on the coding strand, the complement: ACTG1 is on the minus strand). VCF-style: chr17-81511629-G-C. GRCh37 (hg19) VCF-style: chr17-79478655-G-C.
Other names: c.364-3C>G (NM_001199954.3).
Identifiers: ClinVar variation 2025487 (VCV002025487.4), dbSNP rs2544390028, ClinGen allele CA2580095475.